The following is an entry in ClinVar:

ClinVar aggregate classification (germline): Uncertain significance (1 of 4 stars; one submission).

Submission:

Labcorp Genetics (formerly Invitae), Labcorp
Classification: Uncertain significance. Last evaluated: 2025-10-22. Review status: criteria provided, single submitter. Criteria: Invitae Variant Classification Sherloc (09022015). Collection method: clinical testing. Allele origin: germline.
Comment: This sequence change falls in intron 13 of the ITGB3 gene. It does not directly change the encoded amino acid sequence of the ITGB3 protein. It affects a nucleotide within the consensus splice site. This variant is present in population databases (no rsID available, gnomAD 0.01%). This variant has not been reported in the literature in individuals affected with ITGB3-related conditions. Variants that disrupt the consensus splice site are a relatively common cause of aberrant splicing (PMID: 17576681, 9536098). Algorithms developed to predict the effect of sequence changes on RNA splicing suggest that this variant is not likely to affect RNA splicing. In summary, the available evidence is currently insufficient to determine the role of this variant in disease. Therefore, it has been classified as a Variant of Uncertain Significance.

Literature cited by the submitters: PubMed 17576681; PubMed 9536098.

NM_000212.3(ITGB3):c.2134+6T>C

Gene: ITGB3 (integrin subunit beta 3; plus strand). Cytogenetic location: 17q21.32.
Variant type: single nucleotide variant.
Coding change: c.2134+6T>C on transcript NM_000212.3 (MANE Select); 6 bases into the intron after coding-DNA position 2134, T replaced by C.
Molecular consequence: intron variant.
Genome position (GRCh38, 1-based): chr17:47,302,846, T>C. VCF-style: chr17-47302846-T-C. GRCh37 (hg19) VCF-style: chr17-45380212-T-C.
Identifiers: ClinVar variation 4750092 (VCV004750092.1).